The following is an entry in ClinVar:

NM_001267550.2(TTN):c.49413G>T (p.Trp16471Cys)

Genes: TTN (titin; minus strand), TTN-AS1 (TTN antisense RNA 1; plus strand). Cytogenetic location: 2q31.2.
Variant type: single nucleotide variant.
Coding change: c.49413G>T on transcript NM_001267550.2 (MANE Select); coding-DNA position 49413, G replaced by T.
Protein change: p.Trp16471Cys; replaces tryptophan 16471 with cysteine.
Molecular consequence: missense variant.
Genome position (GRCh38, 1-based): chr2:178,613,870, C>A on the plus strand (G>T on the coding strand, the complement: TTN is on the minus strand). VCF-style: chr2-178613870-C-A. GRCh37 (hg19) VCF-style: chr2-179478597-C-A.
Other names: p.W14830C:TGG>TGT; c.44490G>T, p.Trp14830Cys (NM_001256850.1); c.41709G>T, p.Trp13903Cys (NM_133378.4); c.22218G>T, p.Trp7406Cys (NM_003319.4); c.22593G>T, p.Trp7531Cys (NM_133432.3); c.22794G>T, p.Trp7598Cys (NM_133437.4); c.49413G>T (NM_001267550.1); short protein forms W16471C, W13903C, W14830C, W7531C, W7598C, W7406C.
Identifiers: ClinVar variation 47030 (VCV000047030.76), dbSNP rs202094100, ClinGen allele CA139810.

ClinVar aggregate classification (germline): Conflicting classifications of pathogenicity. Review status: criteria provided, conflicting classifications (1 of 4 stars). 21 submissions from 17 submitters: Uncertain significance (11); Benign (3); Likely benign (7). Last evaluated 2026-03-27.

Conditions:
TTN-related disorder. Also called: TTN-related condition; TTN-related disease; TTN-related disorders.
Cardiovascular phenotype. Identifiers: MedGen CN230736.
Dilated cardiomyopathy 1G (CMD1G). Identifiers: Orphanet 154, MedGen C1858763, MONDO:0011400, OMIM 604145.
Autosomal recessive limb-girdle muscular dystrophy type 2J (LGMDR10). Also called: Limb-girdle muscular dystrophy, type 2J; MUSCULAR DYSTROPHY, LIMB-GIRDLE, AUTOSOMAL RECESSIVE 10. Identifiers: Orphanet 140922, MedGen C1837342, MONDO:0012127, OMIM 608807.
Myopathy, myofibrillar, 9, with early respiratory failure (MFM9). Also called: Hereditary myopathy with early respiratory failure; Myopathy, distal, with early respiratory failure, autosomal dominant; EDSTROM MYOPATHY; MYOPATHY, PROXIMAL, WITH EARLY RESPIRATORY MUSCLE INVOLVEMENT. Identifiers: Orphanet 178464, Orphanet 34521, MedGen C1863599, MONDO:0011362, OMIM 603689.
Tibial muscular dystrophy (TMD). Also called: Udd Distal Myopathy – Tibial Muscular Dystrophy; Tibial muscular dystrophy, tardive; UDD MYOPATHY. Identifiers: Orphanet 609, MedGen C1838244, MONDO:0010870, OMIM 600334.
Early-onset myopathy with fatal cardiomyopathy (CMYO5). Also called: Salih Myopathy; CONGENITAL MYOPATHY 5 WITH CARDIOMYOPATHY. Identifiers: Orphanet 289377, MedGen C2673677, MONDO:0012714, OMIM 611705. Disease mechanism: loss of function.
Hypertrophic cardiomyopathy 9. Also called: Familial hypertrophic cardiomyopathy 9. Identifiers: MedGen C1861065, MONDO:0013412, OMIM 613765.
Cardiomyopathy (CMYO). Also called: Cardiomyopathies. Identifiers: Orphanet 167848, MedGen C0878544, MONDO:0004994, HP:0001638. Inheritance: Various modes of inheritance.

Allele frequency attached by ClinVar (database versions not stated): gnomAD exomes 0.00035; TOPMed 0.00037; gnomAD 0.00038 and 0.00042; ExAC 0.00039; ESP Exome Variant Server 0.00057.
gnomAD v4.1: 941 of 1,611,738 alleles (0.058%); highest among the groups gnomAD compares: Non-Finnish European, 0.072%; no homozygotes.

Submissions (21):

Molecular Diagnostic Laboratory for Inherited Cardiovascular Disease, Montreal Heart Institute
Classification: Likely benign. Last evaluated: 2026-03-27. Review status: criteria provided, single submitter. Criteria: ACMG Guidelines, 2015. Collection method: clinical testing. Allele origin: germline. Affected: no.
Comment: BP1

PreventionGenetics, part of Exact Sciences
Classification: Likely benign for TTN-related condition. Last evaluated: 2025-08-14. Review status: criteria provided, single submitter. Criteria: ACMG Guidelines, 2015. Collection method: clinical testing. Allele origin: germline.
Comment: This variant is classified as likely benign based on ACMG/AMP sequence variant interpretation guidelines (Richards et al. 2015 PMID: 25741868, with internal and published modifications).

Athena Diagnostics
Classification: Likely benign. Last evaluated: 2025-07-09. Review status: criteria provided, single submitter. Criteria: Athena Diagnostics Criteria. Collection method: clinical testing. Allele origin: unknown.
Comment: The frequency of this variant in the general population is higher than would generally be expected for pathogenic variants in this gene.

Women's Health and Genetics/Laboratory Corporation of America, LabCorp
Classification: Likely benign. Last evaluated: 2025-01-23. Review status: criteria provided, single submitter. Criteria: LabCorp Variant Classification Summary - May 2015. Collection method: clinical testing. Allele origin: germline.
Comment: Variant summary: TTN c.41709G>T (p.Trp13903Cys) results in a non-conservative amino acid change located in the A-band of the encoded protein sequence. Five of five in-silico tools predict a damaging effect of the variant on protein function. The variant allele was found at a frequency of 0.00058 in 1611738 control chromosomes, predominantly at a frequency of 0.00072 within the Non-Finnish European subpopulation in the gnomAD database. The observed variant frequency within Non-Finnish European control individuals in the gnomAD database is approximately 2-fold of the estimated maximal expected allele frequency for a pathogenic variant in TTN causing Dilated Cardiomyopathy phenotype (0.00039). c.41709G>T has been reported in the literature in individuals affected with Hypertrophic and Dilated Cardiomyopathy (e.g. Pugh_2014, Campuzano_2015, Huang_2016, Mademont-Soler_2017, van Lint_2019, Zahavich_2023) and Arrythmia (Martinez-Barrios_2022), without strong evidence for causality. These reports do not provide unequivocal conclusions about association of the variant with Dilated Cardiomyopathy. Co-occurrence with a pathogenic variant has also been reported within our lab (MYH7 c.1447G>A/p.E483K). To our knowledge, no experimental evidence demonstrating an impact on protein function has been reported. The following publications have been ascertained in the context of this evaluation (PMID: 26516846, 30021846, 25825243, 31395899, 28771489, 24503780, 30847666, 35207729, 37548861). ClinVar contains an entry for this variant (Variation ID: 47030). Based on the evidence outlined above, the variant was classified as likely benign.

Blueprint Genetics
Classification: Likely benign. Last evaluated: 2024-11-18. Review status: criteria provided, single submitter. Criteria: ACMG Guidelines, 2015. Collection method: clinical testing. Allele origin: germline.

CeGaT Center for Human Genetics Tuebingen
Classification: Uncertain significance. Last evaluated: 2024-11-01. Review status: criteria provided, single submitter. Criteria: CeGaT Center For Human Genetics Tuebingen Variant Classification Criteria Version 2. Collection method: clinical testing. Allele origin: germline. Affected: yes. Observed: 6 variant alleles.
Comment: TTN: PS1, PP3

Revvity Omics, Revvity
Classification: Uncertain significance. Last evaluated: 2024-06-04. Review status: criteria provided, single submitter. Criteria: ACMG Guidelines, 2015. Collection method: clinical testing. Allele origin: germline.

Laboratory for Molecular Medicine, Mass General Brigham Personalized Medicine
Classification: Likely benign. Last evaluated: 2023-06-26. Review status: criteria provided, single submitter. Criteria: ACMG Guidelines, 2015. Collection method: clinical testing. Allele origin: germline.
Comment: The p.Trp13903Cys variant in TTN is classified as likely benign because it has been identified in 0.07% (47/67932) of European chromosomes by gnomAD (v.3.1.2). ACMG/AMP Criteria applied: BS1.

CHEO Genetics Diagnostic Laboratory, Children's Hospital of Eastern Ontario
Classification: Benign for Cardiomyopathy. Last evaluated: 2023-05-16. Review status: criteria provided, single submitter. Criteria: ACMG Guidelines, 2015. Collection method: clinical testing. Allele origin: germline.

Mayo Clinic Laboratories, Mayo Clinic
Classification: Uncertain significance. Last evaluated: 2021-09-07. Review status: criteria provided, single submitter. Criteria: ACMG Guidelines, 2015. Collection method: clinical testing. Allele origin: germline.

GeneDx
Classification: Likely benign. Last evaluated: 2021-05-17. Review status: criteria provided, single submitter. Criteria: GeneDx Variant Classification Process June 2021. Collection method: clinical testing. Allele origin: germline. Affected: yes.
Comment: Reported previously, as W13903C in an alternate transcript, as a variant of uncertain significance in a child with dilated cardiomyopathy who had multiple other variants in different genes (Pugh et al., 2014); Missense variant in a gene in which most reported pathogenic variants are truncating/loss-of-function; In silico analysis supports that this missense variant does not alter protein structure/function; This variant is associated with the following publications: (PMID: 24503780, 30847666)

Fulgent Genetics
Classification: Uncertain significance for Tibial muscular dystrophy; Myopathy, myofibrillar, 9, with early respiratory failure; Dilated cardiomyopathy 1G; Autosomal recessive limb-girdle muscular dystrophy type 2J; Early-onset myopathy with fatal cardiomyopathy; Hypertrophic cardiomyopathy 9. Last evaluated: 2018-10-31. Review status: criteria provided, single submitter. Criteria: ACMG Guidelines, 2015. Collection method: clinical testing. Allele origin: unknown.

Eurofins Ntd Llc (ga)
Classification: Uncertain significance. Last evaluated: 2018-06-18. Review status: criteria provided, single submitter. Criteria: EGL ClinVar v180209 classification definitions. Collection method: clinical testing. Allele origin: germline. Observed: 7 variant alleles, 7 heterozygotes.

Illumina Laboratory Services, Illumina
Classification: Uncertain significance for Early-onset myopathy with fatal cardiomyopathy. Last evaluated: 2018-01-13. Review status: criteria provided, single submitter. Criteria: ICSL Variant Classification Criteria 13 December 2019. Collection method: clinical testing. Allele origin: germline.

Illumina Laboratory Services, Illumina
Classification: Uncertain significance for Dilated cardiomyopathy 1G. Last evaluated: 2018-01-13. Review status: criteria provided, single submitter. Criteria: ICSL Variant Classification Criteria 13 December 2019. Collection method: clinical testing. Allele origin: germline.

Illumina Laboratory Services, Illumina
Classification: Benign for Myopathy, myofibrillar, 9, with early respiratory failure. Last evaluated: 2018-01-13. Review status: criteria provided, single submitter. Criteria: ICSL Variant Classification Criteria 13 December 2019. Collection method: clinical testing. Allele origin: germline.
Comment: This variant was observed in the ICSL laboratory as part of a predisposition screen in an ostensibly healthy population. It had not been previously curated by ICSL or reported in the Human Gene Mutation Database (HGMD: prior to June 1st, 2018), and was therefore a candidate for classification through an automated scoring system. Utilizing variant allele frequency, disease prevalence and penetrance estimates, and inheritance mode, an automated score was calculated to assess if this variant is too frequent to cause the disease. Based on the score and internal cut-off values, a variant classified as benign is not then subjected to further curation. The score for this variant resulted in a classification of benign for this disease.

Illumina Laboratory Services, Illumina
Classification: Benign for Tibial muscular dystrophy. Last evaluated: 2018-01-13. Review status: criteria provided, single submitter. Criteria: ICSL Variant Classification Criteria 13 December 2019. Collection method: clinical testing. Allele origin: germline.
Comment: the same text as in the submission from Illumina Laboratory Services, Illumina above.

Illumina Laboratory Services, Illumina
Classification: Uncertain significance for Autosomal recessive limb-girdle muscular dystrophy type 2J. Last evaluated: 2018-01-13. Review status: criteria provided, single submitter. Criteria: ICSL Variant Classification Criteria 13 December 2019. Collection method: clinical testing. Allele origin: germline.

Labcorp Genetics (formerly Invitae), Labcorp
Classification: Uncertain significance for Dilated cardiomyopathy 1G; Autosomal recessive limb-girdle muscular dystrophy type 2J. Last evaluated: 2017-12-14. Review status: criteria provided, single submitter. Criteria: Invitae Variant Classification Sherloc (09022015). Collection method: clinical testing. Allele origin: germline.

Center for Pediatric Genomic Medicine, Children's Mercy Hospital and Clinics
Classification: Uncertain significance. Last evaluated: 2016-04-08. Review status: criteria provided, single submitter. Criteria: ACMG Guidelines, 2015. Collection method: clinical testing. Allele origin: germline.
ClinVar note: Converted during submission from Uncertain Significance to Uncertain significance.

Ambry Genetics
Classification: Uncertain significance for Cardiovascular phenotype. Last evaluated: 2013-05-26. Review status: criteria provided, single submitter. Criteria: Ambry Autosomal Dominant and X-Linked criteria (10/2015). Collection method: clinical testing. Allele origin: germline. Observed: 1 variant allele.
Comment: There is insufficient or conflicting evidence for classification of this alteration.

Literature cited by the submitters: PubMed 37548861 (cited by Athena Diagnostics and Women's Health and Genetics/Laboratory Corporation of America, LabCorp); PubMed 35207729 (cited by Athena Diagnostics and Women's Health and Genetics/Laboratory Corporation of America, LabCorp); PubMed 30847666 (cited by Athena Diagnostics and Women's Health and Genetics/Laboratory Corporation of America, LabCorp); PubMed 28771489 (cited by Athena Diagnostics and Women's Health and Genetics/Laboratory Corporation of America, LabCorp); PubMed 38757491 (cited by Athena Diagnostics); PubMed 33449170 (cited by Athena Diagnostics); PubMed 30665703 (cited by Athena Diagnostics); PubMed 33432171 (cited by Athena Diagnostics); PubMed 35026164 (cited by Athena Diagnostics); PubMed 24503780 (cited by Women's Health and Genetics/Laboratory Corporation of America, LabCorp); PubMed 26516846 (cited by Women's Health and Genetics/Laboratory Corporation of America, LabCorp); PubMed 25825243 (cited by Women's Health and Genetics/Laboratory Corporation of America, LabCorp); PubMed 31395899 (cited by Women's Health and Genetics/Laboratory Corporation of America, LabCorp); PubMed 30021846 (cited by Women's Health and Genetics/Laboratory Corporation of America, LabCorp).